The following is an entry in ClinVar:

ClinVar aggregate classification (germline): Conflicting classifications of pathogenicity. Review status: criteria provided, conflicting classifications (1 of 4 stars). 2 submissions from 2 submitters: Uncertain significance (1); Likely benign (1). Last evaluated 2023-04-12.

Conditions:
Aortic aneurysm, familial thoracic 8 (AAT8). Identifiers: MedGen C3809513, MONDO:0014187, OMIM 615436.
Familial thoracic aortic aneurysm and aortic dissection (TAAD). Also called: Thoracic aortic aneurysms and dissections. Identifiers: Orphanet 91387, MedGen C4707243, MONDO:0019625.

Allele frequency attached by ClinVar (database versions not stated): gnomAD exomes 0.00001 and 0.00002; ExAC 0.00003; ESP Exome Variant Server 0.00008; gnomAD 0.00008; 1000 Genomes Project 30x 0.00016; 1000 Genomes Project 0.00020.
gnomAD v4.1: 20 of 1,573,032 alleles (0.0013%); highest among the groups gnomAD compares: African/African-American, 0.025%; no homozygotes.

Submissions (2):

Labcorp Genetics (formerly Invitae), Labcorp
Classification: Likely benign for Aortic aneurysm, familial thoracic 8. Last evaluated: 2023-04-12. Review status: criteria provided, single submitter. Criteria: Invitae Variant Classification Sherloc (09022015). Collection method: clinical testing. Allele origin: germline.

Ambry Genetics
Classification: Uncertain significance for Familial thoracic aortic aneurysm and aortic dissection. Last evaluated: 2021-11-09. Review status: criteria provided, single submitter. Criteria: Ambry Variant Classification Scheme 2023. Collection method: clinical testing. Allele origin: germline.
Comment: The c.1710-4G>A intronic variant results from a G to A substitution 4 nucleotides upstream from coding exon 15 in the PRKG1 gene. This nucleotide position is not well conserved in available vertebrate species. In silico splice site analysis predicts that this alteration will not have any significant effect on splicing. Since supporting evidence is limited at this time, the clinical significance of this alteration remains unclear.

NM_006258.4(PRKG1):c.1710-4G>A

Gene: PRKG1 (protein kinase cGMP-dependent 1; plus strand). Cytogenetic location: 10q21.1.
Variant type: single nucleotide variant.
Coding change: c.1710-4G>A on transcript NM_006258.4 (MANE Select); 4 bases into the intron before coding-DNA position 1710, G replaced by A.
Molecular consequence: intron variant.
Genome position (GRCh38, 1-based): chr10:52,288,722, G>A. VCF-style: chr10-52288722-G-A. GRCh37 (hg19) VCF-style: chr10-54048482-G-A.
Other names: c.1665-4G>A (NM_001098512.3); c.501-4G>A (NM_001374781.1).
Identifiers: ClinVar variation 1113097 (VCV001113097.11), dbSNP rs374445349, ClinGen allele CA5503924.